The following is an entry in ClinVar:

NM_000059.4(BRCA2):c.6257T>C (p.Ile2086Thr)

Gene: BRCA2 (BRCA2 DNA repair associated; plus strand). Cytogenetic location: 13q13.1.
Variant type: single nucleotide variant.
Coding change: c.6257T>C on transcript NM_000059.4 (MANE Select); coding-DNA position 6257, T replaced by C.
Protein change: p.Ile2086Thr; replaces isoleucine 2086 with threonine.
Molecular consequence: missense variant.
Genome position (GRCh38, 1-based): chr13:32,340,612, T>C. VCF-style: chr13-32340612-T-C. GRCh37 (hg19) VCF-style: chr13-32914749-T-C.
Other names: short protein forms I2086T.
Identifiers: ClinVar variation 156489 (VCV000156489.13), dbSNP rs587783042, ClinGen allele CA023791.
Genomic context (GRCh38, chr13:32,340,612, plus strand): 5'-TTTCCATTTTAGAAAGTTCCTTACACAAAGTTAAGGGAGTGTTAGAGGAATTTGATTTAA[T>C]CAGAACTGAGCATAGTCTTCACTATTCACCTACGTCTAGACAAAATGTATCAAAAATACT-3'
Protein context (NP_000050.3, residues 2076-2096): VKGVLEEFDL[Ile2086Thr]RTEHSLHYSP

ClinVar aggregate classification (germline): Conflicting classifications of pathogenicity. Review status: criteria provided, conflicting classifications (1 of 4 stars). 5 submissions from 5 submitters: Uncertain significance (3); Likely benign (1). 1 of the submissions does not count toward it. Last evaluated 2024-05-03.

Conditions:
Hereditary breast ovarian cancer syndrome. Also called: Hereditary breast and ovarian cancer; Hereditary breast and ovarian cancer syndrome (HBOC); Hereditary breast and ovarian cancer syndrome; BRCA1- and BRCA2-Associated Hereditary Breast and Ovarian Cancer; Breast and ovarian cancer; Hereditary breast and/or ovarian cancer syndrome. Identifiers: Orphanet 145, MedGen C0677776, MeSH D061325, MONDO:0003582. Disease mechanism: loss of function.
Hereditary cancer-predisposing syndrome. Also called: Tumor predisposition; Neoplastic Syndromes, Hereditary; Hereditary neoplastic syndrome; Hereditary Cancer Syndrome. Identifiers: Orphanet 140162, MedGen C0027672, MeSH D009386, MONDO:0015356.
Breast-ovarian cancer, familial, susceptibility to, 2 (BROVCA2). Also called: BRCA2 Hereditary Breast and Ovarian Cancer. Identifiers: Orphanet 145, MedGen C2675520, MONDO:0012933, OMIM 612555. Disease mechanism: loss of function.

Submissions (5):

Quest Diagnostics Nichols Institute San Juan Capistrano
Classification: Uncertain significance. Last evaluated: 2024-05-03. Review status: criteria provided, single submitter. Criteria: Quest Diagnostics criteria. Collection method: clinical testing. Allele origin: unknown.
Comment: The BRCA2 c.6257T>C (p.Ile2086Thr) variant has been reported in the published literature to be located in a region of the BRCA2 gene that is tolerant to missense sequence changes (PMID: 31911673 (2020)). To the best of our knowledge, this variant has not been reported in individuals with BRCA2-related disorders. This variant has not been reported in large, multi-ethnic general populations (Genome Aggregation Database). Analysis of this variant using bioinformatics tools for the prediction of the effect of amino acid changes on protein structure and function yielded predictions that this variant is benign. Based on the available information, we are unable to determine the clinical significance of this variant.

Ambry Genetics
Classification: Uncertain significance for Hereditary cancer-predisposing syndrome. Last evaluated: 2023-06-05. Review status: criteria provided, single submitter. Criteria: Ambry Variant Classification Scheme 2023. Collection method: clinical testing. Allele origin: germline.
Comment: The p.I2086T variant (also known as c.6257T>C), located in coding exon 10 of the BRCA2 gene, results from a T to C substitution at nucleotide position 6257. The isoleucine at codon 2086 is replaced by threonine, an amino acid with similar properties. This amino acid position is not well conserved in available vertebrate species. In addition, this alteration is predicted to be tolerated by in silico analysis. Since supporting evidence is limited at this time, the clinical significance of this alteration remains unclear.

University of Washington Department of Laboratory Medicine, University of Washington
Classification: Likely benign for Hereditary cancer-predisposing syndrome. Last evaluated: 2023-03-23. Review status: criteria provided, single submitter. Criteria: Dines et al. (Genet Med. 2020). Collection method: curation. Allele origin: germline.
Comment: Missense variant in a coldspot region where missense variants are very unlikely to be pathogenic (PMID:31911673).

BRCA2 exon 11 coldspot. Reclassification based on statistical prior probability.

Labcorp Genetics (formerly Invitae), Labcorp
Classification: Uncertain significance for Hereditary breast ovarian cancer syndrome. Last evaluated: 2018-05-29. Review status: criteria provided, single submitter. Criteria: Invitae Variant Classification Sherloc (09022015). Collection method: clinical testing. Allele origin: germline.
Comment: This variant has not been reported in the literature in individuals with BRCA2-related disease. ClinVar contains an entry for this variant (Variation ID: 156489). Algorithms developed to predict the effect of missense changes on protein structure and function are either unavailable or do not agree on the potential impact of this missense change (SIFT: "Tolerated"; PolyPhen-2: "Possibly Damaging"; Align-GVGD: "Class C0"). In summary, the available evidence is currently insufficient to determine the role of this variant in disease. Therefore, it has been classified as a Variant of Uncertain Significance. This sequence change replaces isoleucine with threonine at codon 2086 of the BRCA2 protein (p.Ile2086Thr). The isoleucine residue is weakly conserved and there is a moderate physicochemical difference between isoleucine and threonine. This variant is not present in population databases (ExAC no frequency).

Pathway Genomics
Classification: Uncertain significance for Breast-ovarian cancer, familial 2. Last evaluated: 2014-07-24. Review status: no assertion criteria provided. Collection method: clinical testing. Allele origin: germline. Not counted in ClinVar's aggregate classification.

Literature cited by the submitters: PubMed 31911673 (cited by Quest Diagnostics Nichols Institute San Juan Capistrano).